The following is an entry in ClinVar:

NM_000393.5(COL5A2):c.1005+4T>C

Gene: COL5A2 (collagen type V alpha 2 chain; minus strand). Cytogenetic location: 2q32.2.
Variant type: single nucleotide variant.
Coding change: c.1005+4T>C on transcript NM_000393.5 (MANE Select); 4 bases into the intron after coding-DNA position 1005, T replaced by C.
Molecular consequence: intron variant.
Genome position (GRCh38, 1-based): chr2:189,079,059, A>G on the plus strand (T>C on the coding strand, the complement: COL5A2 is on the minus strand). VCF-style: chr2-189079059-A-G. GRCh37 (hg19) VCF-style: chr2-189943785-A-G.
Identifiers: ClinVar variation 1779608 (VCV001779608.6), dbSNP rs1686475981, ClinGen allele CA1315437316.

ClinVar aggregate classification (germline): Uncertain significance. Review status: criteria provided, multiple submitters, no conflicts (2 of 4 stars). 3 submissions from 3 submitters: Uncertain significance (3). Last evaluated 2026-05-28.

Conditions:
Ehlers-Danlos syndrome, classic type, 1 (EDSCL1). Also called: Ehlers-Danlos syndrome, type 1; Ehlers-Danlos Syndrome, Classic Type, COL5A1-Related; EDS I; EHLERS-DANLOS SYNDROME, GRAVIS TYPE; EHLERS-DANLOS SYNDROME, SEVERE CLASSIC TYPE. Identifiers: MedGen C0268335, MONDO:0019567, OMIM 130000.
Familial thoracic aortic aneurysm and aortic dissection (TAAD). Also called: Thoracic aortic aneurysms and dissections. Identifiers: Orphanet 91387, MedGen C4707243, MONDO:0019625.

Allele frequency attached by ClinVar (database versions not stated): gnomAD exomes 0.00001.
gnomAD v4.1: 8 of 1,611,636 alleles (0.0005%); highest among the groups gnomAD compares: Non-Finnish European, 0.00068%; no homozygotes.

Submissions (3):

Women's Health and Genetics/Laboratory Corporation of America, LabCorp
Classification: Uncertain significance. Last evaluated: 2026-05-28. Review status: criteria provided, single submitter. Criteria: LabCorp Variant Classification Summary - May 2015. Collection method: clinical testing. Allele origin: germline.
Comment: Variant summary: COL5A2 c.1005+4T>C alters a nucleotide located close to a canonical splice site and therefore could affect mRNA splicing, leading to a significantly altered protein sequence. Consensus agreement among computation tools predict no significant impact on normal splicing. However, these predictions have yet to be confirmed by functional studies. The variant was absent in 250736 control chromosomes. The available data on variant occurrences in the general population are insufficient to allow any conclusion about variant significance. To our knowledge, no occurrence of c.1005+4T>C in individuals affected with COL5A2-related conditions and no experimental evidence demonstrating its impact on protein function have been reported. ClinVar contains an entry for this variant (Variation ID: 1779608). Based on the evidence outlined above, the variant was classified as uncertain significance.

Labcorp Genetics (formerly Invitae), Labcorp
Classification: Uncertain significance for Ehlers-Danlos syndrome, classic type, 1. Last evaluated: 2025-09-10. Review status: criteria provided, single submitter. Criteria: Invitae Variant Classification Sherloc (09022015). Collection method: clinical testing. Allele origin: germline.
Comment: This sequence change falls in intron 15 of the COL5A2 gene. It does not directly change the encoded amino acid sequence of the COL5A2 protein. It affects a nucleotide within the consensus splice site. This variant is not present in population databases (gnomAD no frequency). This variant has not been reported in the literature in individuals affected with COL5A2-related conditions. ClinVar contains an entry for this variant (Variation ID: 1779608). Variants that disrupt the consensus splice site are a relatively common cause of aberrant splicing (PMID: 17576681, 9536098). Algorithms developed to predict the effect of sequence changes on RNA splicing suggest that this variant is not likely to affect RNA splicing. In summary, the available evidence is currently insufficient to determine the role of this variant in disease. Therefore, it has been classified as a Variant of Uncertain Significance.

Ambry Genetics
Classification: Uncertain significance for Familial thoracic aortic aneurysm and aortic dissection. Last evaluated: 2025-02-11. Review status: criteria provided, single submitter. Criteria: Ambry Variant Classification Scheme 2023. Collection method: clinical testing. Allele origin: germline.
Comment: The c.1005+4T>C intronic variant results from a T to C substitution 4 nucleotides after coding exon 15 in the COL5A2 gene. This nucleotide position is poorly conserved in available vertebrate species. In silico splice site analysis predicts that this alteration will not have any significant effect on splicing. Since supporting evidence is limited at this time, the clinical significance of this alteration remains unclear.

Literature cited by the submitters: PubMed 17576681 (cited by Labcorp Genetics (formerly Invitae), Labcorp); PubMed 9536098 (cited by Labcorp Genetics (formerly Invitae), Labcorp).